The following is an entry in ClinVar:

ClinVar aggregate classification (germline): Uncertain significance (1 of 4 stars; one submission).

Conditions:
Congenital neutropenia-myelofibrosis-nephromegaly syndrome. Also called: Severe congenital neutropenia 5, autosomal recessive. Identifiers: Orphanet 369852, MedGen C3809031, MONDO:0014118, OMIM 615285.

Submission:

Labcorp Genetics (formerly Invitae), Labcorp
Classification: Uncertain significance for Congenital neutropenia-myelofibrosis-nephromegaly syndrome. Last evaluated: 2023-08-17. Review status: criteria provided, single submitter. Criteria: Invitae Variant Classification Sherloc (09022015). Collection method: clinical testing. Allele origin: germline.
Comment: This variant is not present in population databases (gnomAD no frequency). This sequence change replaces leucine, which is neutral and non-polar, with proline, which is neutral and non-polar, at codon 227 of the VPS45 protein (p.Leu227Pro). This variant has not been reported in the literature in individuals affected with VPS45-related conditions. In summary, the available evidence is currently insufficient to determine the role of this variant in disease. Therefore, it has been classified as a Variant of Uncertain Significance. Advanced modeling of protein sequence and biophysical properties (such as structural, functional, and spatial information, amino acid conservation, physicochemical variation, residue mobility, and thermodynamic stability) performed at Invitae indicates that this missense variant is expected to disrupt VPS45 protein function.

NM_007259.5(VPS45):c.680T>C (p.Leu227Pro)

Gene: VPS45 (vacuolar protein sorting 45 homolog; plus strand). Cytogenetic location: 1q21.2.
Variant type: single nucleotide variant.
Coding change: c.680T>C on transcript NM_007259.5 (MANE Select); coding-DNA position 680, T replaced by C.
Protein change: p.Leu227Pro; replaces leucine 227 with proline.
Molecular consequence: missense variant. On other transcripts: non-coding transcript variant (1).
Genome position (GRCh38, 1-based): chr1:150,077,772, T>C. VCF-style: chr1-150077772-T-C. GRCh37 (hg19) VCF-style: chr1-150049850-T-C.
Other names: c.365T>C, p.Leu122Pro (NM_001279353.2); c.572T>C, p.Leu191Pro (NM_001279354.2); short protein forms L122P, L191P, L227P.
Identifiers: ClinVar variation 2705182 (VCV002705182.3), dbSNP rs2526105211, ClinGen allele CA342250356.
Genomic context (GRCh38, chr1:150,077,772, plus strand): 5'-CAGAGGTTCCTCCATTGCTCCTTATTTTAGATCGCTGTGATGATGCCATCACCCCATTGC[T>C]AAACCAGGTACAAAACCCTTTCTTGGCATAATAGAAGGATAATTTTAAGTGATATTCATC-3'
Protein context (NP_009190.2, residues 217-237): DRCDDAITPL[Leu227Pro]NQWTYQAMVH